The following is an entry in ClinVar:

NM_017777.4(MKS1):c.1407+2del

Gene: MKS1 (MKS transition zone complex subunit 1; minus strand). Cytogenetic location: 17q22.
Variant type: Deletion.
Coding change: c.1407+2del on transcript NM_017777.4 (MANE Select); the canonical splice donor site of the intron after coding-DNA position 1407, one base deleted (T; older notation c.1407+2delT).
Molecular consequence: splice donor variant. On other transcripts: intron variant (1).
Genome position (GRCh38, 1-based): chr17:58,207,083, A deleted on the plus strand (T on the coding strand, the reverse complement: MKS1 is on the minus strand). VCF-style (leftmost placement, unchanged base first): chr17-58207082-CA-C. GRCh37 (hg19) VCF-style: chr17-56284443-CA-C.
Other names: c.1407+2delT (NM_017777.3); c.798+2del (NM_001321268.2); c.1274-703del (NM_001330397.2); c.1407+2del (NM_001321269.2).
Identifiers: ClinVar variation 56615 (VCV000056615.2), dbSNP rs386834042, ClinGen allele CA344743.

ClinVar aggregate classification (germline): Likely pathogenic (0 of 4 stars; one submission).

Conditions:
Meckel syndrome, type 1 (MKS1). Also called: MECKEL-GRUBER SYNDROME, TYPE 1. Identifiers: Orphanet 564, MedGen C3714506, MONDO:0009571, OMIM 249000.

Submission:

Juha Muilu Group; Institute for Molecular Medicine Finland (FIMM)
Classification: Likely pathogenic for Meckel syndrome type1. Review status: no assertion criteria provided. Collection method: not provided. Allele origin: unknown.
Comment: FinDis database variant: This variant was not found or characterized by our laboratory, data were collected from public sources: see reference
ClinVar note: Converted during submission from probable-pathogenic to Likely pathogenic.